The following is an entry in ClinVar:

ClinVar aggregate classification (germline): Uncertain significance (1 of 4 stars; one submission).

Conditions:
Sulfite oxidase deficiency due to molybdenum cofactor deficiency type A. Also called: Molybdenum Cofactor Deficiency A; Molybdenum cofactor deficiency, complementation group A. Identifiers: Orphanet 308386, Orphanet 833, MedGen C1854988, MONDO:0009643, OMIM 252150.

Allele frequency attached by ClinVar (database versions not stated): ExAC 0.00001; gnomAD exomes 0.00001.

Submission:

Labcorp Genetics (formerly Invitae), Labcorp
Classification: Uncertain significance for Sulfite oxidase deficiency due to molybdenum cofactor deficiency type A. Last evaluated: 2021-09-02. Review status: criteria provided, single submitter. Criteria: Invitae Variant Classification Sherloc (09022015). Collection method: clinical testing. Allele origin: germline.
Comment: This sequence change replaces proline with leucine at codon 240 of the MOCS1 protein (p.Pro240Leu). The proline residue is highly conserved and there is a moderate physicochemical difference between proline and leucine. This variant is present in population databases (rs753336008, ExAC 0.006%). This variant has not been reported in the literature in individuals affected with MOCS1-related conditions. Algorithms developed to predict the effect of missense changes on protein structure and function are either unavailable or do not agree on the potential impact of this missense change (SIFT: "Deleterious"; PolyPhen-2: "Benign"; Align-GVGD: "Class C15"). In summary, the available evidence is currently insufficient to determine the role of this variant in disease. Therefore, it has been classified as a Variant of Uncertain Significance.

NM_001358530.2(MOCS1):c.719C>T (p.Pro240Leu)

Gene: MOCS1 (molybdenum cofactor synthesis 1; minus strand). Cytogenetic location: 6p21.2.
Variant type: single nucleotide variant.
Coding change: c.719C>T on transcript NM_001358530.2 (MANE Select); coding-DNA position 719, C replaced by T.
Protein change: p.Pro240Leu; replaces proline 240 with leucine.
Molecular consequence: missense variant. On other transcripts: non-coding transcript variant (1).
Genome position (GRCh38, 1-based): chr6:39,913,355, G>A on the plus strand (C>T on the coding strand, the complement: MOCS1 is on the minus strand). VCF-style: chr6-39913355-G-A. GRCh37 (hg19) VCF-style: chr6-39881099-G-A.
Other names: c.719C>T, p.Pro240Leu (NM_001075098.4, NM_001358529.2, NM_005943.6); c.458C>T, p.Pro153Leu (NM_001358531.2, NM_001358533.2, NM_001358534.2); short protein forms P240L, P153L.
Identifiers: ClinVar variation 838827 (VCV000838827.7), dbSNP rs753336008, ClinGen allele CA3796173.
Genomic context (GRCh38, chr6:39,913,355, plus strand): 5'-CAACCCATCCCTGGTCACTGACCATCAAAGGGCATATACTCTATGAAGCGCACATCCAGG[G>A]GGAGGCCCTCAGTCAAGGCCGCAAAGTCCAGGAGTTCATCCTCGTTAAGGCCTCGCATCA-3'
Protein context (NP_001345459.1, residues 230-250): LDFAALTEGL[Pro240Leu]LDVRFIEYMP